The following is an entry in ClinVar:

NM_004371.4(COPA):c.111C>G (p.Asp37Glu)

Gene: COPA (coat protein complex I subunit alpha; minus strand). Cytogenetic location: 1q23.2.
Variant type: single nucleotide variant.
Coding change: c.111C>G on transcript NM_004371.4 (MANE Select); coding-DNA position 111, C replaced by G.
Protein change: p.Asp37Glu; replaces aspartic acid 37 with glutamic acid.
Molecular consequence: missense variant.
Genome position (GRCh38, 1-based): chr1:160,340,224, G>C on the plus strand (C>G on the coding strand, the complement: COPA is on the minus strand). VCF-style: chr1-160340224-G-C. GRCh37 (hg19) VCF-style: chr1-160310014-G-C.
Other names: c.111C>G, p.Asp37Glu (NM_001098398.2); short protein forms D37E.
Identifiers: ClinVar variation 4771659 (VCV004771659.1).
Genomic context (GRCh38, chr1:160,340,224, plus strand): 5'-TCCTAGAAATATCTCACCATCATGTTCATCAAACTTGTCAATGAGAGTGCACATCCGATA[G>C]TCCCATAACTGGATGACCCCATTATGTAAACTAGTCAGGATCCAAGGTCTTTTGGGGTGA-3'
Protein context (NP_004362.2, residues 27-47): SLHNGVIQLW[Asp37Glu]YRMCTLIDKF

ClinVar aggregate classification (germline): Uncertain significance (1 of 4 stars; one submission).

Conditions:
Autoimmune interstitial lung disease-arthritis syndrome. Also called: Autoinflammation and autoimmunity, systemic, with immune dysregulation. Identifiers: Orphanet 444092, MedGen C5975714, MONDO:0014629.

gnomAD v4.1: 1 of 1,613,726 alleles (0.000062%); highest among the groups gnomAD compares: African/African-American, 0.0013%; no homozygotes.

Submission:

Labcorp Genetics (formerly Invitae), Labcorp
Classification: Uncertain significance for Autoimmune interstitial lung disease-arthritis syndrome. Last evaluated: 2025-07-13. Review status: criteria provided, single submitter. Criteria: Invitae Variant Classification Sherloc (09022015). Collection method: clinical testing. Allele origin: germline.
Comment: This sequence change replaces aspartic acid, which is acidic and polar, with glutamic acid, which is acidic and polar, at codon 37 of the COPA protein (p.Asp37Glu). This variant is not present in population databases (gnomAD no frequency). This variant has not been reported in the literature in individuals affected with COPA-related conditions. Invitae Evidence Modeling of protein sequence and biophysical properties (such as structural, functional, and spatial information, amino acid conservation, physicochemical variation, residue mobility, and thermodynamic stability) indicates that this missense variant is expected to disrupt COPA protein function with a positive predictive value of 80%. In summary, the available evidence is currently insufficient to determine the role of this variant in disease. Therefore, it has been classified as a Variant of Uncertain Significance.